The following is an entry in ClinVar:

ClinVar aggregate classification (germline): Uncertain significance (1 of 4 stars; one submission).

Allele frequency attached by ClinVar (database versions not stated): TOPMed below 0.00001; gnomAD exomes 0.00004.
gnomAD v4.1: 50 of 1,614,158 alleles (0.0031%); highest among the groups gnomAD compares: Non-Finnish European, 0.0042%; no homozygotes.

Submission:

Labcorp Genetics (formerly Invitae), Labcorp
Classification: Uncertain significance. Last evaluated: 2023-11-13. Review status: criteria provided, single submitter. Criteria: Invitae Variant Classification Sherloc (09022015). Collection method: clinical testing. Allele origin: germline.
Comment: This sequence change replaces arginine, which is basic and polar, with lysine, which is basic and polar, at codon 1421 of the MYH3 protein (p.Arg1421Lys). This variant is present in population databases (rs781774391, gnomAD 0.003%). This variant has not been reported in the literature in individuals affected with MYH3-related conditions. Advanced modeling of protein sequence and biophysical properties (such as structural, functional, and spatial information, amino acid conservation, physicochemical variation, residue mobility, and thermodynamic stability) performed at Invitae indicates that this missense variant is not expected to disrupt MYH3 protein function with a negative predictive value of 95%. In summary, the available evidence is currently insufficient to determine the role of this variant in disease. Therefore, it has been classified as a Variant of Uncertain Significance.

NM_002470.4(MYH3):c.4262G>A (p.Arg1421Lys)

Gene: MYH3 (myosin heavy chain 3; minus strand). Cytogenetic location: 17p13.1.
Variant type: single nucleotide variant.
Coding change: c.4262G>A on transcript NM_002470.4 (MANE Select); coding-DNA position 4262, G replaced by A.
Protein change: p.Arg1421Lys; replaces arginine 1421 with lysine.
Molecular consequence: missense variant.
Genome position (GRCh38, 1-based): chr17:10,634,934, C>T on the plus strand (G>A on the coding strand, the complement: MYH3 is on the minus strand). VCF-style: chr17-10634934-C-T. GRCh37 (hg19) VCF-style: chr17-10538251-C-T.
Other names: short protein forms R1421K.
Identifiers: ClinVar variation 2849753 (VCV002849753.3), dbSNP rs781774391, ClinGen allele CA287781683.
Genomic context (GRCh38, chr17:10,634,934, plus strand): 5'-GCGGCCAAGGAATTGGCTCTTTCAACATCAACCATCAGATCCTCCACCTCTCCTTGCAGC[C>T]TCTGCTTGGTCTTCTCCAGTGAAGCACATTTAGCATTCACTGCCTCAACCTGTTCCTCGG-3'
Protein context (NP_002461.2, residues 1411-1431): KCASLEKTKQ[Arg1421Lys]LQGEVEDLMV